The following is an entry in ClinVar:

NM_002860.4(ALDH18A1):c.839A>T (p.Asp280Val)

Gene: ALDH18A1 (aldehyde dehydrogenase 18 family member A1; minus strand). Cytogenetic location: 10q24.1.
Variant type: single nucleotide variant.
Coding change: c.839A>T on transcript NM_002860.4 (MANE Select); coding-DNA position 839, A replaced by T.
Protein change: p.Asp280Val; replaces aspartic acid 280 with valine.
Molecular consequence: missense variant.
Genome position (GRCh38, 1-based): chr10:95,628,462, T>A on the plus strand (A>T on the coding strand, the complement: ALDH18A1 is on the minus strand). VCF-style: chr10-95628462-T-A. GRCh37 (hg19) VCF-style: chr10-97388219-T-A.
Other names: c.833A>T, p.Asp278Val (NM_001017423.2, NM_001323415.2); c.506A>T, p.Asp169Val (NM_001323412.2, NM_001323416.2); c.839A>T, p.Asp280Val (NM_001323413.2, NM_001323414.2); c.734A>T, p.Asp245Val (NM_001323417.2); c.500A>T, p.Asp167Val (NM_001323418.2); c.203A>T, p.Asp68Val (NM_001323419.2); short protein forms D280V, D245V, D278V, D68V, D167V, D169V.
Identifiers: ClinVar variation 452244 (VCV000452244.7), dbSNP rs981914821, ClinGen allele CA211794876.
Genomic context (GRCh38, chr10:95,628,462, plus strand): 5'-TTGGTTCCAAATGTCACAGACTGCTGATCTCCGGGATAAAATATATCAATAAGCTTTGCA[T>A]CATCTGAACCTGGGGGGCTGTCAAAAAGGCCTAAAAAATAGACAAGAGTCAGTAATACTG-3'
Protein context (NP_002851.2, residues 270-290): GLFDSPPGSD[Asp280Val]AKLIDIFYPG

ClinVar aggregate classification (germline): Uncertain significance. Review status: criteria provided, multiple submitters, no conflicts (2 of 4 stars). 2 submissions from 2 submitters: Uncertain significance (2). Last evaluated 2024-05-26.

Conditions:
Autosomal dominant spastic paraplegia type 9. Identifiers: MedGen C1832669, MONDO:0015091.
de Barsy syndrome. Also called: Cutis laxa-corneal clouding-oligophrenia syndrome. Identifiers: Orphanet 2962, MedGen C0268354, MONDO:0017569.
Cutis laxa, autosomal dominant 3 (ADCL3). Identifiers: Orphanet 90348, MedGen C4225268, MONDO:0014706, OMIM 616603.

Allele frequency attached by ClinVar (database versions not stated): TOPMed 0.00001.
gnomAD v4.1: 45 of 1,613,858 alleles (0.0028%); highest among the groups gnomAD compares: Non-Finnish European, 0.0038%; no homozygotes.

Submissions (2):

Labcorp Genetics (formerly Invitae), Labcorp
Classification: Uncertain significance for Autosomal dominant spastic paraplegia type 9; de Barsy syndrome; Cutis laxa, autosomal dominant 3. Last evaluated: 2024-05-26. Review status: criteria provided, single submitter. Criteria: Invitae Variant Classification Sherloc (09022015). Collection method: clinical testing. Allele origin: germline.
Comment: This sequence change replaces aspartic acid, which is acidic and polar, with valine, which is neutral and non-polar, at codon 280 of the ALDH18A1 protein (p.Asp280Val). The frequency data for this variant in the population databases is considered unreliable, as metrics indicate poor data quality at this position in the gnomAD database. This variant has not been reported in the literature in individuals affected with ALDH18A1-related conditions. ClinVar contains an entry for this variant (Variation ID: 452244). Advanced modeling of protein sequence and biophysical properties (such as structural, functional, and spatial information, amino acid conservation, physicochemical variation, residue mobility, and thermodynamic stability) has been performed at Invitae for this missense variant, however the output from this modeling did not meet the statistical confidence thresholds required to predict the impact of this variant on ALDH18A1 protein function. In summary, the available evidence is currently insufficient to determine the role of this variant in disease. Therefore, it has been classified as a Variant of Uncertain Significance.

GeneDx
Classification: Uncertain significance. Last evaluated: 2023-01-09. Review status: criteria provided, single submitter. Criteria: GeneDx Variant Classification Process June 2021. Collection method: clinical testing. Allele origin: germline. Affected: yes.
Comment: Has not been previously published as pathogenic or benign to our knowledge; Not observed at significant frequency in large population cohorts (gnomAD); In silico analysis supports that this missense variant has a deleterious effect on protein structure/function